The following is an entry in ClinVar:

ClinVar aggregate classification (germline): Pathogenic (1 of 4 stars; one submission).

Conditions:
Neurofibromatosis, type 1 (NF1). Also called: Neurofibromatosis, type I; VON RECKLINGHAUSEN DISEASE; Peripheral type neurofibromatosis; NEUROFIBROMATOSIS, TYPE I, SOMATIC. Identifiers: Orphanet 636, MedGen C0027831, MONDO:0018975, OMIM 162200. Disease mechanism: loss of function.

Submission:

Labcorp Genetics (formerly Invitae), Labcorp
Classification: Pathogenic for Neurofibromatosis, type 1. Last evaluated: 2019-04-06. Review status: criteria provided, single submitter. Criteria: Invitae Variant Classification Sherloc (09022015). Collection method: clinical testing. Allele origin: germline.
Comment: This sequence change creates a premature translational stop signal (p.Leu113*) in the NF1 gene. It is expected to result in an absent or disrupted protein product. This variant is not present in population databases (ExAC no frequency). This variant has not been reported in the literature in individuals with NF1-related conditions. Loss-of-function variants in NF1 are known to be pathogenic (PMID: 10712197, 23913538). For these reasons, this variant has been classified as Pathogenic.

Literature cited by the submitters: PubMed 10712197; PubMed 23913538.

NM_001042492.3(NF1):c.338T>A (p.Leu113Ter)

Gene: NF1 (neurofibromin 1; plus strand). Cytogenetic location: 17q11.2.
Variant type: single nucleotide variant.
Coding change: c.338T>A on transcript NM_001042492.3 (MANE Select); coding-DNA position 338, T replaced by A.
Protein change: p.Leu113Ter; replaces leucine 113 with a stop codon.
Molecular consequence: nonsense.
Genome position (GRCh38, 1-based): chr17:31,163,235, T>A. VCF-style: chr17-31163235-T-A. GRCh37 (hg19) VCF-style: chr17-29490253-T-A.
Other names: c.338T>A, p.Leu113Ter (NM_000267.4, NM_001128147.3); short protein forms L113*.
Identifiers: ClinVar variation 857599 (VCV000857599.5), dbSNP rs2065792758, ClinGen allele CA398981734.